The following is an entry in ClinVar:

ClinVar aggregate classification (germline): Uncertain significance (1 of 4 stars; one submission).

Conditions:
Intellectual developmental disorder, autosomal recessive 5. Also called: Intellectual disability, autosomal recessive 5. Identifiers: Orphanet 88616, MedGen C1970199, MONDO:0012613, OMIM 611091.

Submission:

Laboratorio de Genetica e Diagnostico Molecular, Hospital Israelita Albert Einstein
Classification: Uncertain significance for Intellectual developmental disorder, autosomal recessive 5. Last evaluated: 2024-10-28. Review status: criteria provided, single submitter. Criteria: ACMG Guidelines, 2015. Collection method: clinical testing. Allele origin: germline. Affected: yes.
Comment: ACMG classification criteria: PM2 supporting, BP4 supporting

NM_017755.6(NSUN2):c.1429A>G (p.Thr477Ala)

Gene: NSUN2 (NOP2/Sun RNA methyltransferase 2; minus strand). Cytogenetic location: 5p15.31.
Variant type: single nucleotide variant.
Coding change: c.1429A>G on transcript NM_017755.6 (MANE Select); coding-DNA position 1429, A replaced by G.
Protein change: p.Thr477Ala; replaces threonine 477 with alanine.
Molecular consequence: missense variant. On other transcripts: non-coding transcript variant (1).
Genome position (GRCh38, 1-based): chr5:6,607,279, T>C on the plus strand (A>G on the coding strand, the complement: NSUN2 is on the minus strand). VCF-style: chr5-6607279-T-C. GRCh37 (hg19) VCF-style: chr5-6607392-T-C.
Other names: c.1324A>G, p.Thr442Ala (NM_001193455.2); short protein forms T442A, T477A.
Identifiers: ClinVar variation 4056688 (VCV004056688.1).